The following is an entry in ClinVar:

ClinVar aggregate classification (germline): Uncertain significance (1 of 4 stars; one submission).

Allele frequency attached by ClinVar (database versions not stated): gnomAD exomes below 0.00001; gnomAD 0.00001; ExAC 0.00004.
gnomAD v4.1: 8 of 1,543,464 alleles (0.00052%); highest among the groups gnomAD compares: East Asian, 0.016%; no homozygotes.

Submission:

Labcorp Genetics (formerly Invitae), Labcorp
Classification: Uncertain significance. Last evaluated: 2022-08-06. Review status: criteria provided, single submitter. Criteria: Invitae Variant Classification Sherloc (09022015). Collection method: clinical testing. Allele origin: germline.
Comment: This sequence change replaces alanine, which is neutral and non-polar, with threonine, which is neutral and polar, at codon 524 of the IL2RB protein (p.Ala524Thr). This variant is present in population databases (rs769404639, gnomAD 0.04%). This variant has not been reported in the literature in individuals affected with IL2RB-related conditions. Algorithms developed to predict the effect of missense changes on protein structure and function output the following: SIFT: "Tolerated"; PolyPhen-2: "Benign"; Align-GVGD: "Class C0". The threonine amino acid residue is found in multiple mammalian species, which suggests that this missense change does not adversely affect protein function. In summary, the available evidence is currently insufficient to determine the role of this variant in disease. Therefore, it has been classified as a Variant of Uncertain Significance.

NM_000878.5(IL2RB):c.1570G>A (p.Ala524Thr)

Gene: IL2RB (interleukin 2 receptor subunit beta; minus strand). Cytogenetic location: 22q12.3.
Variant type: single nucleotide variant.
Coding change: c.1570G>A on transcript NM_000878.5 (MANE Select); coding-DNA position 1570, G replaced by A.
Protein change: p.Ala524Thr; replaces alanine 524 with threonine.
Molecular consequence: missense variant.
Genome position (GRCh38, 1-based): chr22:37,128,182, C>T on the plus strand (G>A on the coding strand, the complement: IL2RB is on the minus strand). VCF-style: chr22-37128182-C-T. GRCh37 (hg19) VCF-style: chr22-37524222-C-T.
Other names: c.1570G>A, p.Ala524Thr (NM_001346222.1, NM_001346223.2); short protein forms A524T.
Identifiers: ClinVar variation 1944030 (VCV001944030.5), dbSNP rs769404639, ClinGen allele CA10216303.